The following is an entry in ClinVar:

ClinVar aggregate classification (germline): Benign (0 of 4 stars; one submission).

Conditions:
TP73-related disorder. Also called: TP73-related condition.

Allele frequency attached by ClinVar (database versions not stated): gnomAD exomes 0.04440; ExAC 0.06658; gnomAD 0.08568; ESP Exome Variant Server 0.08658; TOPMed 0.09040; 1000 Genomes Project 0.11002; 1000 Genomes Project 30x 0.11102.
gnomAD v4.1: 78,853 of 1,611,698 alleles (4.9%); highest among the groups gnomAD compares: African/African-American, 18%; 3,408 homozygotes.

Submission:

PreventionGenetics, part of Exact Sciences
Classification: Benign for TP73-related condition. Last evaluated: 2022-06-20. Review status: no assertion criteria provided. Collection method: clinical testing. Allele origin: germline.
Comment: This variant is classified as benign based on ACMG/AMP sequence variant interpretation guidelines (Richards et al. 2015 PMID: 25741868, with internal and published modifications).

NM_005427.4(TP73):c.1047T>C (p.His349=)

Gene: TP73 (tumor protein p73; plus strand). Cytogenetic location: 1p36.32.
Variant type: single nucleotide variant.
Coding change: c.1047T>C on transcript NM_005427.4 (MANE Select); coding-DNA position 1047, T replaced by C.
Protein change: p.His349=; no amino-acid change (histidine 349 retained).
Molecular consequence: synonymous variant.
Genome position (GRCh38, 1-based): chr1:3,728,190, T>C. VCF-style: chr1-3728190-T-C. GRCh37 (hg19) VCF-style: chr1-3644754-T-C.
Other names: c.900T>C, p.His300= (NM_001126240.3, NM_001126241.3, NM_001126242.3 and 3 more transcripts); c.1047T>C, p.His349= (NM_001204184.2, NM_001204185.2, NM_001204186.2 and 2 more transcripts); c.834T>C, p.His278= (NM_001204192.2).
Identifiers: ClinVar variation 3055835 (VCV003055835.2), dbSNP rs12048341, ClinGen allele CA549356.
Genomic context (GRCh38, chr1:3,728,190, plus strand): 5'-CTTCAAGCAGAGCCCCCCTGCCGTCCCCGCCCTTGGTGCCGGTGTGAAGAAGCGGCGGCA[T>C]GGAGACGAGGACACGTACTACCTTCAGGTGAGTGTGTGCTCCTGCACGGCAGCCGGGAGA-3'
Protein context (NP_005418.1, residues 339-359): ALGAGVKKRR[His349=]GDEDTYYLQV